The following is an entry in ClinVar:

NM_000702.4(ATP1A2):c.67A>G (p.Lys23Glu)

Gene: ATP1A2 (ATPase Na+/K+ transporting subunit alpha 2; plus strand). Cytogenetic location: 1q23.2.
Variant type: single nucleotide variant.
Coding change: c.67A>G on transcript NM_000702.4 (MANE Select); coding-DNA position 67, A replaced by G.
Protein change: p.Lys23Glu; replaces lysine 23 with glutamic acid.
Molecular consequence: missense variant.
Genome position (GRCh38, 1-based): chr1:160,120,960, A>G. VCF-style: chr1-160120960-A-G. GRCh37 (hg19) VCF-style: chr1-160090750-A-G.
Other names: short protein forms K23E.
Identifiers: ClinVar variation 863661 (VCV000863661.9), dbSNP rs1651376133, ClinGen allele CA343227408.

ClinVar aggregate classification (germline): Uncertain significance (1 of 4 stars; one submission).

Conditions:
Familial hemiplegic migraine. Identifiers: MedGen C0338484, MONDO:0000700.

Submission:

Labcorp Genetics (formerly Invitae), Labcorp
Classification: Uncertain significance for Familial hemiplegic migraine. Last evaluated: 2022-08-23. Review status: criteria provided, single submitter. Criteria: Invitae Variant Classification Sherloc (09022015). Collection method: clinical testing. Allele origin: germline.
Comment: In summary, the available evidence is currently insufficient to determine the role of this variant in disease. Therefore, it has been classified as a Variant of Uncertain Significance. Advanced modeling of protein sequence and biophysical properties (such as structural, functional, and spatial information, amino acid conservation, physicochemical variation, residue mobility, and thermodynamic stability) performed at Invitae indicates that this missense variant is not expected to disrupt ATP1A2 protein function. ClinVar contains an entry for this variant (Variation ID: 863661). This variant has not been reported in the literature in individuals affected with ATP1A2-related conditions. This variant is not present in population databases (gnomAD no frequency). This sequence change replaces lysine, which is basic and polar, with glutamic acid, which is acidic and polar, at codon 23 of the ATP1A2 protein (p.Lys23Glu).